The following is an entry in ClinVar:

ClinVar aggregate classification (germline): Uncertain significance (1 of 4 stars; one submission).

Conditions:
Dilated cardiomyopathy 1JJ (CMD1JJ). Identifiers: Orphanet 154, MedGen C3808935, MONDO:0014095, OMIM 615235.

Submission:

Labcorp Genetics (formerly Invitae), Labcorp
Classification: Uncertain significance for Dilated cardiomyopathy 1JJ. Last evaluated: 2024-06-08. Review status: criteria provided, single submitter. Criteria: Invitae Variant Classification Sherloc (09022015). Collection method: clinical testing. Allele origin: germline.
Comment: This sequence change affects a donor splice site in intron 10 of the LAMA4 gene. It is expected to disrupt RNA splicing. Variants that disrupt the donor or acceptor splice site typically lead to a loss of protein function (PMID: 16199547), however the current clinical and genetic evidence is not sufficient to establish whether loss-of-function variants in LAMA4 cause disease. This variant is not present in population databases (gnomAD no frequency). This variant has not been reported in the literature in individuals affected with LAMA4-related conditions. Algorithms developed to predict the effect of sequence changes on RNA splicing suggest that this variant may disrupt the consensus splice site. In summary, the available evidence is currently insufficient to determine the role of this variant in disease. Therefore, it has been classified as a Variant of Uncertain Significance.

Literature cited by the submitters: PubMed 16199547.

NM_001105206.3(LAMA4):c.1189+2T>C

Gene: LAMA4 (laminin subunit alpha 4; minus strand). Cytogenetic location: 6q21.
Variant type: single nucleotide variant.
Coding change: c.1189+2T>C on transcript NM_001105206.3 (MANE Select); the canonical splice donor site of the intron after coding-DNA position 1189, T replaced by C.
Molecular consequence: splice donor variant.
Genome position (GRCh38, 1-based): chr6:112,178,119, A>G on the plus strand (T>C on the coding strand, the complement: LAMA4 is on the minus strand). VCF-style: chr6-112178119-A-G. GRCh37 (hg19) VCF-style: chr6-112499321-A-G.
Other names: c.1168+2T>C (NM_002290.5, NM_001105207.3).
Identifiers: ClinVar variation 3695658 (VCV003695658.2).
Genomic context (GRCh38, chr6:112,178,119, plus strand): 5'-CTGATGTTAATAACATAAGTGTTTCCTTGATATTAAACTGAACCAGAAGAGAATATATTT[A>G]CCTTGGATTTTATCCCTCATATCATGGGCTTGCTCTACCAGCTGACTTGCGTGGTTAATG-3'